The following is an entry in ClinVar:

ClinVar aggregate classification (germline): Pathogenic (1 of 4 stars; one submission).

Submission:

Labcorp Genetics (formerly Invitae), Labcorp
Classification: Pathogenic. Last evaluated: 2024-07-25. Review status: criteria provided, single submitter. Criteria: Invitae Variant Classification Sherloc (09022015). Collection method: clinical testing. Allele origin: germline.
Comment: This sequence change creates a premature translational stop signal (p.Leu427Phefs*16) in the HPS3 gene. It is expected to result in an absent or disrupted protein product. Loss-of-function variants in HPS3 are known to be pathogenic (PMID: 11590544). This variant is not present in population databases (gnomAD no frequency). This variant has not been reported in the literature in individuals affected with HPS3-related conditions. For these reasons, this variant has been classified as Pathogenic.

Literature cited by the submitters: PubMed 11590544.

NM_032383.5(HPS3):c.1280dup (p.Leu427fs)

Gene: HPS3 (HPS3 biogenesis of lysosomal organelles complex 2 subunit 1; plus strand). Cytogenetic location: 3q24.
Variant type: Duplication.
Coding change: c.1280dup on transcript NM_032383.5 (MANE Select); coding-DNA position 1280, one base duplicated (T; older notation c.1280dupT).
Protein change: p.Leu427fs; shifts the reading frame from leucine 427.
Molecular consequence: frameshift variant.
Genome position (GRCh38, 1-based): chr3:149,153,528, T duplicated; the last of 3 consecutive T bases (chr3:149,153,526-149,153,528); duplicating any one gives the same sequence. VCF-style (leftmost placement, unchanged base first): chr3-149153525-C-CT. GRCh37 (hg19) VCF-style: chr3-148871312-C-CT.
Other names: c.785dup, p.Leu262fs (NM_001308258.2); short protein forms L262fs, L427fs.
Identifiers: ClinVar variation 3005539 (VCV003005539.3), dbSNP rs2473099362, ClinGen allele CA2740091036.